The following is an entry in ClinVar:

NM_004656.4(BAP1):c.2143C>T (p.Pro715Ser)

Gene: BAP1 (BRCA1 associated deubiquitinase 1; minus strand). Cytogenetic location: 3p21.1.
Variant type: single nucleotide variant.
Coding change: c.2143C>T on transcript NM_004656.4 (MANE Select); coding-DNA position 2143, C replaced by T.
Protein change: p.Pro715Ser; replaces proline 715 with serine.
Molecular consequence: missense variant.
Genome position (GRCh38, 1-based): chr3:52,402,335, G>A on the plus strand (C>T on the coding strand, the complement: BAP1 is on the minus strand). VCF-style: chr3-52402335-G-A. GRCh37 (hg19) VCF-style: chr3-52436351-G-A.
Other names: c.2089C>T, p.Pro697Ser (NM_001410772.1); short protein forms P715S, P697S.
Identifiers: ClinVar variation 5032728 (VCV005032728.1).

ClinVar aggregate classification (germline): Uncertain significance (1 of 4 stars; one submission).

Conditions:
Hereditary cancer-predisposing syndrome. Also called: Neoplastic Syndromes, Hereditary; Tumor predisposition; Hereditary neoplastic syndrome; Hereditary Cancer Syndrome. Identifiers: Orphanet 140162, MedGen C0027672, MeSH D009386, MONDO:0015356.

Submission:

Ambry Genetics
Classification: Uncertain significance for Hereditary cancer-predisposing syndrome. Last evaluated: 2026-07-07. Review status: criteria provided, single submitter. Criteria: Ambry Variant Classification Scheme 2023. Collection method: clinical testing. Allele origin: germline.
Comment: The p.P715S variant (also known as c.2143C>T), located in coding exon 17 of the BAP1 gene, results from a C to T substitution at nucleotide position 2143. The proline at codon 715 is replaced by serine, an amino acid with similar properties. This amino acid position is conserved. In addition, this alteration is predicted to be tolerated by in silico analysis. Based on the available evidence, the clinical significance of this variant remains unclear.